The following is an entry in ClinVar:

NM_007194.4(CHEK2):c.1628T>C (p.Leu543Ser)

Gene: CHEK2 (checkpoint kinase 2; minus strand). Cytogenetic location: 22q12.1.
Variant type: single nucleotide variant.
Coding change: c.1628T>C on transcript NM_007194.4 (MANE Select); coding-DNA position 1628, T replaced by C.
Protein change: p.Leu543Ser; replaces leucine 543 with serine.
Molecular consequence: missense variant.
Genome position (GRCh38, 1-based): chr22:28,687,901, A>G on the plus strand (T>C on the coding strand, the complement: CHEK2 is on the minus strand). VCF-style: chr22-28687901-A-G. GRCh37 (hg19) VCF-style: chr22-29083889-A-G.
Other names: c.1757T>C, p.Leu586Ser (NM_001005735.3); c.965T>C, p.Leu322Ser (NM_001257387.3); c.1427T>C, p.Leu476Ser (NM_001349956.3); c.1541T>C, p.Leu514Ser (NM_145862.3); short protein forms L586S, L322S, L543S, L476S, L514S.
Identifiers: ClinVar variation 1466164 (VCV001466164.10), dbSNP rs2145736622, ClinGen allele CA411090963.

ClinVar aggregate classification (germline): Conflicting classifications of pathogenicity. Review status: criteria provided, conflicting classifications (1 of 4 stars). 2 submissions from 2 submitters: Uncertain significance (1); Likely benign (1). Last evaluated 2024-04-16.

Conditions:
Hereditary cancer-predisposing syndrome. Also called: Tumor predisposition; Hereditary Cancer Syndrome; Hereditary neoplastic syndrome; Neoplastic Syndromes, Hereditary. Identifiers: Orphanet 140162, MedGen C0027672, MeSH D009386, MONDO:0015356.
Familial cancer of breast. Also called: hereditary breast carcinoma; BREAST CANCER, FAMILIAL; Hereditary breast cancer. Identifiers: Orphanet 227535, MedGen C0346153, MONDO:0016419, OMIM 114480. Disease mechanism: loss of function.

Submissions (2):

Ambry Genetics
Classification: Likely benign for Hereditary cancer-predisposing syndrome. Last evaluated: 2024-04-16. Review status: criteria provided, single submitter. Criteria: Ambry Variant Classification Scheme 2023. Collection method: clinical testing. Allele origin: germline.

Labcorp Genetics (formerly Invitae), Labcorp
Classification: Uncertain significance for Familial cancer of breast. Last evaluated: 2023-04-23. Review status: criteria provided, single submitter. Criteria: Invitae Variant Classification Sherloc (09022015). Collection method: clinical testing. Allele origin: germline.
Comment: In summary, the available evidence is currently insufficient to determine the role of this variant in disease. Therefore, it has been classified as a Variant of Uncertain Significance. Algorithms developed to predict the effect of missense changes on protein structure and function output the following: SIFT: "Not Available"; PolyPhen-2: "Benign"; Align-GVGD: "Not Available". The serine amino acid residue is found in multiple mammalian species, which suggests that this missense change does not adversely affect protein function. ClinVar contains an entry for this variant (Variation ID: 1466164). This variant has not been reported in the literature in individuals affected with CHEK2-related conditions. This variant is not present in population databases (gnomAD no frequency). This sequence change replaces leucine, which is neutral and non-polar, with serine, which is neutral and polar, at codon 543 of the CHEK2 protein (p.Leu543Ser).